The following is an entry in ClinVar:

ClinVar aggregate classification (germline): Uncertain significance (1 of 4 stars; one submission).

Submission:

Labcorp Genetics (formerly Invitae), Labcorp
Classification: Uncertain significance. Last evaluated: 2025-12-24. Review status: criteria provided, single submitter. Criteria: Invitae Variant Classification Sherloc (09022015). Collection method: clinical testing. Allele origin: germline.
Comment: This sequence change replaces proline, which is neutral and non-polar, with serine, which is neutral and polar, at codon 392 of the SAMD9 protein (p.Pro392Ser). This variant is not present in population databases (gnomAD no frequency). This variant has not been reported in the literature in individuals affected with SAMD9-related conditions. Invitae Evidence Modeling of protein sequence and biophysical properties (such as structural, functional, and spatial information, amino acid conservation, physicochemical variation, residue mobility, and thermodynamic stability) indicates that this missense variant is not expected to disrupt SAMD9 protein function with a negative predictive value of 95%. In summary, the available evidence is currently insufficient to determine the role of this variant in disease. Therefore, it has been classified as a Variant of Uncertain Significance.

NM_017654.4(SAMD9):c.1174C>T (p.Pro392Ser)

Gene: SAMD9 (sterile alpha motif domain containing 9; minus strand). Cytogenetic location: 7q21.2.
Variant type: single nucleotide variant.
Coding change: c.1174C>T on transcript NM_017654.4 (MANE Select); coding-DNA position 1174, C replaced by T.
Protein change: p.Pro392Ser; replaces proline 392 with serine.
Molecular consequence: missense variant.
Genome position (GRCh38, 1-based): chr7:93,104,924, G>A on the plus strand (C>T on the coding strand, the complement: SAMD9 is on the minus strand). VCF-style: chr7-93104924-G-A. GRCh37 (hg19) VCF-style: chr7-92734237-G-A.
Other names: c.1174C>T, p.Pro392Ser (NM_001193307.2); short protein forms P392S.
Identifiers: ClinVar variation 4808491 (VCV004808491.1).